The following is an entry in ClinVar:

ClinVar aggregate classification (germline): Conflicting classifications of pathogenicity. Review status: criteria provided, conflicting classifications (1 of 4 stars). 4 submissions from 4 submitters: Uncertain significance (3); Likely benign (1). Last evaluated 2024-12-02.

Conditions:
Inborn genetic diseases. Identifiers: MedGen C0950123, MeSH D030342.

Allele frequency attached by ClinVar (database versions not stated): TOPMed below 0.00001; gnomAD 0.00001; ExAC 0.00005.
gnomAD v4.1: 21 of 1,613,904 alleles (0.0013%); highest among the groups gnomAD compares: South Asian, 0.022%; 3 homozygotes.

Submissions (4):

GeneDx
Classification: Uncertain significance. Last evaluated: 2024-12-02. Review status: criteria provided, single submitter. Criteria: GeneDx Variant Classification Process June 2021. Collection method: clinical testing. Allele origin: germline. Affected: yes.
Comment: In silico analysis indicates that this missense variant does not alter protein structure/function; Has not been previously published as pathogenic or benign to our knowledge

Ambry Genetics
Classification: Likely benign for Inborn genetic diseases. Last evaluated: 2024-08-27. Review status: criteria provided, single submitter. Criteria: Ambry Variant Classification Scheme 2023. Collection method: clinical testing. Allele origin: germline.

Labcorp Genetics (formerly Invitae), Labcorp
Classification: Uncertain significance. Last evaluated: 2023-10-05. Review status: criteria provided, single submitter. Criteria: Invitae Variant Classification Sherloc (09022015). Collection method: clinical testing. Allele origin: germline.
Comment: This sequence change replaces histidine, which is basic and polar, with glutamine, which is neutral and polar, at codon 578 of the HSPG2 protein (p.His578Gln). This variant is present in population databases (rs761523501, gnomAD 0.03%). This variant has not been reported in the literature in individuals affected with HSPG2-related conditions. ClinVar contains an entry for this variant (Variation ID: 2432565). Algorithms developed to predict the effect of missense changes on protein structure and function output the following: SIFT: "Not Available"; PolyPhen-2: "Benign"; Align-GVGD: "Not Available". The glutamine amino acid residue is found in multiple mammalian species, which suggests that this missense change does not adversely affect protein function. In summary, the available evidence is currently insufficient to determine the role of this variant in disease. Therefore, it has been classified as a Variant of Uncertain Significance.

Revvity Omics, Revvity
Classification: Uncertain significance. Last evaluated: 2022-05-02. Review status: criteria provided, single submitter. Criteria: ACMG Guidelines, 2015. Collection method: clinical testing. Allele origin: germline.

NM_005529.7(HSPG2):c.1734C>A (p.His578Gln)

Gene: HSPG2 (heparan sulfate proteoglycan 2; minus strand). Cytogenetic location: 1p36.12.
Variant type: single nucleotide variant.
Coding change: c.1734C>A on transcript NM_005529.7 (MANE Select); coding-DNA position 1734, C replaced by A.
Protein change: p.His578Gln; replaces histidine 578 with glutamine.
Molecular consequence: missense variant.
Genome position (GRCh38, 1-based): chr1:21,881,423, G>T on the plus strand (C>A on the coding strand, the complement: HSPG2 is on the minus strand). VCF-style: chr1-21881423-G-T. GRCh37 (hg19) VCF-style: chr1-22207916-G-T.
Other names: c.1737C>A, p.His579Gln (NM_001291860.2); c.1734C>A (NM_005529.5); short protein forms H578Q, H579Q.
Identifiers: ClinVar variation 2432565 (VCV002432565.8), dbSNP rs761523501, ClinGen allele CA673317.